The following is an entry in ClinVar:

NM_002439.5(MSH3):c.242C>T (p.Thr81Ile)

Gene: MSH3 (mutS homolog 3; plus strand). Cytogenetic location: 5q14.1.
Variant type: single nucleotide variant.
Coding change: c.242C>T on transcript NM_002439.5 (MANE Select); coding-DNA position 242, C replaced by T.
Protein change: p.Thr81Ile; replaces threonine 81 with isoleucine.
Molecular consequence: missense variant.
Genome position (GRCh38, 1-based): chr5:80,656,415, C>T. VCF-style: chr5-80656415-C-T. GRCh37 (hg19) VCF-style: chr5-79952234-C-T.
Other names: short protein forms T81I.
Identifiers: ClinVar variation 3296248 (VCV003296248.1).

ClinVar aggregate classification (germline): Uncertain significance (1 of 4 stars; one submission).

Conditions:
Hereditary cancer-predisposing syndrome. Also called: Tumor predisposition; Hereditary Cancer Syndrome; Hereditary neoplastic syndrome; Neoplastic Syndromes, Hereditary. Identifiers: Orphanet 140162, MedGen C0027672, MeSH D009386, MONDO:0015356.

gnomAD v4.1: 1 of 1,614,026 alleles (0.000062%); highest among the groups gnomAD compares: South Asian, 0.0011%; no homozygotes.

Submission:

Ambry Genetics
Classification: Uncertain significance for Hereditary cancer-predisposing syndrome. Last evaluated: 2024-04-10. Review status: criteria provided, single submitter. Criteria: Ambry Variant Classification Scheme 2023. Collection method: clinical testing. Allele origin: germline.
Comment: The p.T81I variant (also known as c.242C>T), located in coding exon 2 of the MSH3 gene, results from a C to T substitution at nucleotide position 242. The threonine at codon 81 is replaced by isoleucine, an amino acid with similar properties. This amino acid position is poorly conserved in available vertebrate species. In addition, this alteration is predicted to be tolerated by in silico analysis. Based on the available evidence, the clinical significance of this variant remains unclear.